The following is an entry in ClinVar:

ClinVar aggregate classification (germline): Benign/Likely benign. Review status: criteria provided, multiple submitters, no conflicts (2 of 4 stars). 2 submissions from 2 submitters: Benign (1); Likely benign (1). Last evaluated 2026-01-04.

Conditions:
Muscle AMP deaminase deficiency (MMDD). Also called: Adenosine monophosphate deaminase 1 deficiency; AMP deaminase 1 deficiency; Adenosine Monophosphate Deaminase 1; AMPD1 DEFICIENCY; Myoadenylate deaminase deficiency, myopathy due to; ADENOSINE MONOPHOSPHATE DEAMINASE-1 DEFICIENCY, MYOPATHY DUE TO. Identifiers: Orphanet 45, MedGen C3714933, MONDO:0014220, OMIM 615511.

Allele frequency attached by ClinVar (database versions not stated): 1000 Genomes Project 0.00020; 1000 Genomes Project 30x 0.00031; ESP Exome Variant Server 0.00038; TOPMed 0.00040; gnomAD 0.00041 and 0.00044; gnomAD exomes 0.00044 and 0.00049; ExAC 0.00053.
gnomAD v4.1: 707 of 1,614,124 alleles (0.044%); highest among the groups gnomAD compares: Non-Finnish European, 0.041%; no homozygotes.

Submissions (2):

Labcorp Genetics (formerly Invitae), Labcorp
Classification: Benign for Muscle AMP deaminase deficiency. Last evaluated: 2026-01-04. Review status: criteria provided, single submitter. Criteria: Invitae Variant Classification Sherloc (09022015). Collection method: clinical testing. Allele origin: germline.

CeGaT Center for Human Genetics Tuebingen
Classification: Likely benign. Last evaluated: 2023-03-01. Review status: criteria provided, single submitter. Criteria: CeGaT Center For Human Genetics Tuebingen Variant Classification Criteria Version 2. Collection method: clinical testing. Allele origin: germline. Affected: yes. Observed: 1 variant allele.
Comment: AMPD1: BP4, BP7

NM_000036.3(AMPD1):c.195C>T (p.Ser65=)

Gene: AMPD1 (adenosine monophosphate deaminase 1; minus strand). Cytogenetic location: 1p13.2.
Variant type: single nucleotide variant.
Coding change: c.195C>T on transcript NM_000036.3 (MANE Select); coding-DNA position 195, C replaced by T.
Protein change: p.Ser65=; no amino-acid change (serine 65 retained).
Molecular consequence: synonymous variant.
Genome position (GRCh38, 1-based): chr1:114,688,581, G>A on the plus strand (C>T on the coding strand, the complement: AMPD1 is on the minus strand). VCF-style: chr1-114688581-G-A. GRCh37 (hg19) VCF-style: chr1-115231202-G-A.
Other names: c.183C>T, p.Ser61= (NM_001172626.2).
Identifiers: ClinVar variation 291936 (VCV000291936.35), dbSNP rs150208948, ClinGen allele CA1020533.
Genomic context (GRCh38, chr1:114,688,581, plus strand): 5'-TAGGTGCCAATATACTAAGCACTCCCCTTACACCACTTACCTCCTGGCTTCTGTGGAGGT[G>A]GACAGAGTCTCCAGATGGAATATGTGTGCTTGCATCTCATGATGAGAAATCGGACAGATC-3'
Protein context (NP_000027.3, residues 55-75): QAHIFHLETL[Ser65=]TSTEARRKKR